The following is an entry in ClinVar:

NM_000503.6(EYA1):c.1080G>T (p.Leu360=)

Gene: EYA1 (EYA transcriptional coactivator and phosphatase 1; minus strand). Cytogenetic location: 8q13.3.
Variant type: single nucleotide variant.
Coding change: c.1080G>T on transcript NM_000503.6 (MANE Select); coding-DNA position 1080, G replaced by T.
Protein change: p.Leu360=; no amino-acid change (leucine 360 retained).
Molecular consequence: synonymous variant. On other transcripts: intron variant (2).
Genome position (GRCh38, 1-based): chr8:71,244,663, C>A on the plus strand (G>T on the coding strand, the complement: EYA1 is on the minus strand). VCF-style: chr8-71244663-C-A. GRCh37 (hg19) VCF-style: chr8-72156898-C-A.
Other names: c.1080G>T (NM_172058.3); c.1062G>T, p.Leu354= (NM_001288574.2); c.714G>T, p.Leu238= (NM_001288575.2); c.1167G>T, p.Leu389= (NM_001370333.1); c.1080G>T, p.Leu360= (NM_001370334.1, NM_001370335.1, NM_172058.4); c.981G>T, p.Leu327= (NM_001411797.1, NM_172060.4); c.1119+25077G>T (NM_001370336.1); c.1122+25077G>T (NM_172059.5).
Identifiers: ClinVar variation 2903069 (VCV002903069.5), dbSNP rs1315860612, ClinGen allele CA461327203.
Genomic context (GRCh38, chr8:71,244,663, plus strand): 5'-TTCTAAGTCATTAAAAAATAAATGTGTGTCTGCCAAGTTGAAAATCATTTCTTCCATTCG[C>A]AGTCCAAGGGAAACTGAAGTGGGTGGATCCTAAAATAAGAATATGACAGGTGAAGAACAT-3'
Protein context (NP_000494.2, residues 350-370): RDPPTSVSLG[Leu360=]RMEEMIFNLA

ClinVar aggregate classification (germline): Likely benign. Review status: criteria provided, multiple submitters, no conflicts (2 of 4 stars). 3 submissions from 3 submitters: Likely benign (3). Last evaluated 2026-08-18.

Conditions:
EYA1-related disorder. Also called: EYA1-related condition.
Melnick-Fraser syndrome (BOR). Also called: Branchiootorenal syndrome; Branchiootorenal Syndrome (BORS); Branchio-oto-renal syndrome. Identifiers: Orphanet 107, MedGen C0265234, MONDO:0007029.

Allele frequency attached by ClinVar (database versions not stated): TOPMed 0.00001.

Submissions (3):

PreventionGenetics, part of Exact Sciences
Classification: Likely benign for EYA1-related condition. Last evaluated: 2026-08-18. Review status: criteria provided, single submitter. Criteria: ACMG Guidelines, 2015. Collection method: clinical testing. Allele origin: germline.
Comment: This variant is classified as likely benign based on ACMG/AMP sequence variant interpretation guidelines (Richards et al. 2015 PMID: 25741868, with internal and published modifications).

Blueprint Genetics
Classification: Likely benign. Last evaluated: 2024-11-20. Review status: criteria provided, single submitter. Criteria: ACMG Guidelines, 2015. Collection method: clinical testing. Allele origin: germline.

Labcorp Genetics (formerly Invitae), Labcorp
Classification: Likely benign for Melnick-Fraser syndrome. Last evaluated: 2023-02-22. Review status: criteria provided, single submitter. Criteria: Invitae Variant Classification Sherloc (09022015). Collection method: clinical testing. Allele origin: germline.